The following is an entry in ClinVar:

ClinVar aggregate classification (germline): Uncertain significance (1 of 4 stars; one submission).

gnomAD v4.1: 4 of 1,607,966 alleles (0.00025%); highest among the groups gnomAD compares: Non-Finnish European, 0.00034%; no homozygotes.

Submission:

Women's Health and Genetics/Laboratory Corporation of America, LabCorp
Classification: Uncertain significance. Last evaluated: 2024-09-10. Review status: criteria provided, single submitter. Criteria: LabCorp Variant Classification Summary - May 2015. Collection method: clinical testing. Allele origin: germline.
Comment: Variant summary: GABRD c.1156A>T (p.Asn386Tyr) results in a non-conservative amino acid change in the encoded protein sequence. Three of five in-silico tools predict a damaging effect of the variant on protein function. The variant allele was found at a frequency of 4.1e-06 in 241776 control chromosomes. The available data on variant occurrences in the general population are insufficient to allow any conclusion about variant significance. To our knowledge, no occurrence of c.1156A>T in individuals affected with GABRD-Related Disorders and no experimental evidence demonstrating its impact on protein function have been reported. No submitters have cited clinical-significance assessments for this variant to ClinVar. Based on the evidence outlined above, the variant was classified as uncertain significance.

NM_000815.5(GABRD):c.1156A>T (p.Asn386Tyr)

Gene: GABRD (gamma-aminobutyric acid type A receptor subunit delta; plus strand). Cytogenetic location: 1p36.33.
Variant type: single nucleotide variant.
Coding change: c.1156A>T on transcript NM_000815.5 (MANE Select); coding-DNA position 1156, A replaced by T.
Protein change: p.Asn386Tyr; replaces asparagine 386 with tyrosine.
Molecular consequence: missense variant.
Genome position (GRCh38, 1-based): chr1:2,030,079, A>T. VCF-style: chr1-2030079-A-T. GRCh37 (hg19) VCF-style: chr1-1961518-A-T.
Other names: short protein forms N386Y.
Identifiers: ClinVar variation 3374917 (VCV003374917.1).